The following is an entry in ClinVar:

ClinVar aggregate classification (germline): Likely benign (0 of 4 stars; one submission).

Conditions:
UCP3-related disorder. Also called: UCP3-related condition.

Allele frequency attached by ClinVar (database versions not stated): gnomAD 0.00001; TOPMed 0.00002; ExAC 0.00003; gnomAD exomes 0.00003.
gnomAD v4.1: 18 of 1,614,072 alleles (0.0011%); highest among the groups gnomAD compares: Admixed American, 0.027%; no homozygotes.

Submission:

PreventionGenetics, part of Exact Sciences
Classification: Likely benign for UCP3-related condition. Last evaluated: 2021-03-02. Review status: no assertion criteria provided. Collection method: clinical testing. Allele origin: germline.
Comment: This variant is classified as likely benign based on ACMG/AMP sequence variant interpretation guidelines (Richards et al. 2015 PMID: 25741868, with internal and published modifications).

NM_003356.4(UCP3):c.693C>T (p.Ala231=)

Gene: UCP3 (uncoupling protein 3; minus strand). Cytogenetic location: 11q13.4.
Variant type: single nucleotide variant.
Coding change: c.693C>T on transcript NM_003356.4 (MANE Select); coding-DNA position 693, C replaced by T.
Protein change: p.Ala231=; no amino-acid change (alanine 231 retained).
Molecular consequence: synonymous variant.
Genome position (GRCh38, 1-based): chr11:74,003,958, G>A on the plus strand (C>T on the coding strand, the complement: UCP3 is on the minus strand). VCF-style: chr11-74003958-G-A. GRCh37 (hg19) VCF-style: chr11-73715003-G-A.
Other names: c.693C>T, p.Ala231= (NM_022803.3).
Identifiers: ClinVar variation 3035675 (VCV003035675.2), dbSNP rs750367534, ClinGen allele CA6181392.
Genomic context (GRCh38, chr11:74,003,958, plus strand): 5'-GCCTGGAGGTGAGTTCATATACCGGGTCTTCACCACGTCCACCGGGGAGGCCACCACTGT[G>A]GCACAGAAGCCGGCTCCAAAGGCAGAGACAAAGTGGCAGGGGAAGTTGTCTGCAGAGGAA-3'
Protein context (NP_003347.1, residues 221-241): FVSAFGAGFC[Ala231=]TVVASPVDVV